The following is an entry in ClinVar:

ClinVar aggregate classification (germline): Uncertain significance (1 of 4 stars; one submission).

Conditions:
Nephrotic syndrome, type 6 (NPHS6). Identifiers: Orphanet 656, MedGen C3280100, MONDO:0013619, OMIM 614196.

gnomAD v4.1: 12 of 1,613,898 alleles (0.00074%); highest among the groups gnomAD compares: African/African-American, 0.0013%; no homozygotes.

Submission:

Molecular Diagnostics Lab, Nemours Children's Health, Delaware
Classification: Uncertain significance for Nephrotic syndrome, type 6. Last evaluated: 2020-05-28. Review status: criteria provided, single submitter. Criteria: ACMG Guidelines, 2015. Collection method: clinical testing. Allele origin: unknown. Inheritance: Autosomal recessive inheritance. Affected: yes. Observed: 1 heterozygote.
Comment: This missense variant (c.882G>A, p.Thr294=) has been observed at extremely low frequency in population databases (gnomAD) and has not been reported in the literature. Insufficient evidence exists to classify this change, therefore its significance is uncertain.

NM_030667.3(PTPRO):c.882G>A (p.Thr294=)

Gene: PTPRO (protein tyrosine phosphatase receptor type O; plus strand). Cytogenetic location: 12p12.3.
Variant type: single nucleotide variant.
Coding change: c.882G>A on transcript NM_030667.3 (MANE Select); coding-DNA position 882, G replaced by A.
Protein change: p.Thr294=; no amino-acid change (threonine 294 retained).
Molecular consequence: synonymous variant.
Genome position (GRCh38, 1-based): chr12:15,501,840, G>A. VCF-style: chr12-15501840-G-A. GRCh37 (hg19) VCF-style: chr12-15654774-G-A.
Other names: c.882G>A, p.Thr294= (NM_002848.4).
Identifiers: ClinVar variation 3367207 (VCV003367207.2).